The following is an entry in ClinVar:

ClinVar aggregate classification (germline): Likely pathogenic (1 of 4 stars; one submission).

Conditions:
Kabuki syndrome 2 (KABUK2). Also called: KDM6A-Related Kabuki Syndrome. Identifiers: Orphanet 2322, MedGen C3275495, MONDO:0010465, OMIM 300867.

Submission:

MGZ Medical Genetics Center
Classification: Likely pathogenic for Kabuki syndrome 2. Last evaluated: 2021-07-05. Review status: criteria provided, single submitter. Criteria: ACMG Guidelines, 2015. Collection method: clinical testing. Allele origin: germline. Affected: yes. Observed: 1 variant allele.
Comment: ACMG criteria applied: PS2, PM2_SUP, PP3

NM_001291415.2(KDM6A):c.409G>T (p.Gly137Cys)

Gene: KDM6A (lysine demethylase 6A; plus strand). Cytogenetic location: Xp11.3.
Variant type: single nucleotide variant.
Coding change: c.409G>T on transcript NM_001291415.2 (MANE Select); coding-DNA position 409, G replaced by T.
Protein change: p.Gly137Cys; replaces glycine 137 with cysteine.
Molecular consequence: missense variant. On other transcripts: 5 prime UTR variant (1), non-coding transcript variant (1).
Genome position (GRCh38, 1-based): chrX:45,010,985, G>T. VCF-style: chrX-45010985-G-T. GRCh37 (hg19) VCF-style: chrX-44870230-G-T.
Other names: c.409G>T, p.Gly137Cys (NM_001291416.2, NM_001291417.2, NM_001291418.2 and 2 more transcripts); c.-224G>T (NM_001291421.2); short protein forms G137C.
Identifiers: ClinVar variation 1709839 (VCV001709839.2), dbSNP rs2521643351, ClinGen allele CA413022121.